The following is an entry in ClinVar:

NM_001267550.2(TTN):c.84099T>C (p.Tyr28033=)

Genes: TTN (titin; minus strand), TTN-AS1 (TTN antisense RNA 1; plus strand). Cytogenetic location: 2q31.2.
Variant type: single nucleotide variant.
Coding change: c.84099T>C on transcript NM_001267550.2 (MANE Select); coding-DNA position 84099, T replaced by C.
Protein change: p.Tyr28033=; no amino-acid change (tyrosine 28033 retained).
Molecular consequence: synonymous variant.
Genome position (GRCh38, 1-based): chr2:178,562,033, A>G on the plus strand (T>C on the coding strand, the complement: TTN is on the minus strand). VCF-style: chr2-178562033-A-G. GRCh37 (hg19) VCF-style: chr2-179426760-A-G.
Other names: c.79176T>C, p.Tyr26392= (NM_001256850.1); c.56904T>C, p.Tyr18968= (NM_003319.4); c.76395T>C, p.Tyr25465= (NM_133378.4); c.57279T>C, p.Tyr19093= (NM_133432.3); c.57480T>C, p.Tyr19160= (NM_133437.4).
Identifiers: ClinVar variation 1127678 (VCV001127678.12), dbSNP rs762450131, ClinGen allele CA1988827.
Genomic context (GRCh38, chr2:178,562,033, plus strand): 5'-AAGGACAATTATAGTAATAGGAACTGTTATGGATCCAGCACTGTTTGAAACACATAATTC[A>G]TAAGTTCCAACATCTTCCTTTGAAGCTTCCTTAATAGATAGTGATGTTACAGTCTTTGAA-3'
Protein context (NP_001254479.2, residues 28023-28043): KEASKEDVGT[Tyr28033=]ELCVSNSAGS

ClinVar aggregate classification (germline): Likely benign. Review status: criteria provided, multiple submitters, no conflicts (2 of 4 stars). 3 submissions from 3 submitters: Likely benign (2). 1 of the submissions does not count toward it. Last evaluated 2025-06-29.

Conditions:
Dilated cardiomyopathy 1G (CMD1G). Identifiers: Orphanet 154, MedGen C1858763, MONDO:0011400, OMIM 604145.
Autosomal recessive limb-girdle muscular dystrophy type 2J (LGMDR10). Also called: MUSCULAR DYSTROPHY, LIMB-GIRDLE, AUTOSOMAL RECESSIVE 10; Limb-girdle muscular dystrophy, type 2J. Identifiers: Orphanet 140922, MedGen C1837342, MONDO:0012127, OMIM 608807.
TTN-related disorder. Also called: TTN-related disorders; TTN-related condition; TTN-related disease.
Cardiovascular phenotype. Identifiers: MedGen CN230736.

Allele frequency attached by ClinVar (database versions not stated): ExAC 0.00001; gnomAD 0.00001; gnomAD exomes 0.00001; TOPMed 0.00002.
gnomAD v4.1: 13 of 1,613,346 alleles (0.00081%); highest among the groups gnomAD compares: Admixed American, 0.0017%; no homozygotes.

Submissions (3):

Labcorp Genetics (formerly Invitae), Labcorp
Classification: Likely benign for Dilated cardiomyopathy 1G; Autosomal recessive limb-girdle muscular dystrophy type 2J. Last evaluated: 2025-06-29. Review status: criteria provided, single submitter. Criteria: Invitae Variant Classification Sherloc (09022015). Collection method: clinical testing. Allele origin: germline.

Ambry Genetics
Classification: Likely benign for Cardiovascular phenotype. Last evaluated: 2023-10-12. Review status: criteria provided, single submitter. Criteria: Ambry Variant Classification Scheme 2023. Collection method: clinical testing. Allele origin: germline.

PreventionGenetics, part of Exact Sciences
Classification: Likely benign for TTN-related condition. Last evaluated: 2023-09-27. Review status: no assertion criteria provided. Collection method: clinical testing. Allele origin: germline. Not counted in ClinVar's aggregate classification.
Comment: This variant is classified as likely benign based on ACMG/AMP sequence variant interpretation guidelines (Richards et al. 2015 PMID: 25741868, with internal and published modifications).